The following is an entry in ClinVar:

ClinVar aggregate classification (germline): Likely benign (1 of 4 stars; one submission).

Allele frequency attached by ClinVar (database versions not stated): gnomAD exomes 0.00002.

Submission:

CeGaT Center for Human Genetics Tuebingen
Classification: Likely benign. Last evaluated: 2023-04-01. Review status: criteria provided, single submitter. Criteria: CeGaT Center For Human Genetics Tuebingen Variant Classification Criteria Version 2. Collection method: clinical testing. Allele origin: germline. Affected: yes. Observed: 1 variant allele.
Comment: PLIN4: BP4, BP7

NM_001367868.2(PLIN4):c.1383T>C (p.Val461=)

Gene: PLIN4 (perilipin 4; minus strand). Cytogenetic location: 19p13.3.
Variant type: single nucleotide variant.
Coding change: c.1383T>C on transcript NM_001367868.2 (MANE Select); coding-DNA position 1383, T replaced by C.
Protein change: p.Val461=; no amino-acid change (valine 461 retained).
Molecular consequence: synonymous variant.
Genome position (GRCh38, 1-based): chr19:4,512,577, A>G on the plus strand (T>C on the coding strand, the complement: PLIN4 is on the minus strand). VCF-style: chr19-4512577-A-G. GRCh37 (hg19) VCF-style: chr19-4512589-A-G.
Other names: c.1386T>C, p.Val462= (NM_001393888.1, NM_001393889.1); c.1383T>C, p.Val461= (NM_001393890.1, NM_001393891.1).
Identifiers: ClinVar variation 2649054 (VCV002649054.24), dbSNP rs758366298, ClinGen allele CA9100717.